The following is an entry in ClinVar:

NM_004959.5(NR5A1):c.266G>A (p.Arg89Lys)

Gene: NR5A1 (nuclear receptor subfamily 5 group A member 1; minus strand). Cytogenetic location: 9q33.3.
Variant type: single nucleotide variant.
Coding change: c.266G>A on transcript NM_004959.5 (MANE Select); coding-DNA position 266, G replaced by A.
Protein change: p.Arg89Lys; replaces arginine 89 with lysine.
Molecular consequence: missense variant.
Genome position (GRCh38, 1-based): chr9:124,500,694, C>T on the plus strand (G>A on the coding strand, the complement: NR5A1 is on the minus strand). VCF-style: chr9-124500694-C-T. GRCh37 (hg19) VCF-style: chr9-127262973-C-T.
Other names: short protein forms R89K.
Identifiers: ClinVar variation 3752694 (VCV003752694.2).

ClinVar aggregate classification (germline): Uncertain significance (1 of 4 stars; one submission).

Conditions:
46 XY differences of sex development. Also called: 46, XY disorder of sex development (DSD); 46,XY disorder of sex development. Identifiers: Orphanet 98085, MedGen C2751824, MONDO:0020040.
Oligosynaptic infertility (SPGF1). Also called: SPERMATOGENIC FAILURE 1; OLIGOCHIASMATIC INFERTILITY. Identifiers: MedGen C0403810, MONDO:0009776, OMIM 258150.

Submission:

Labcorp Genetics (formerly Invitae), Labcorp
Classification: Uncertain significance for 46 XY differences of sex development; Oligosynaptic infertility. Last evaluated: 2024-11-30. Review status: criteria provided, single submitter. Criteria: Invitae Variant Classification Sherloc (09022015). Collection method: clinical testing. Allele origin: germline.
Comment: This sequence change replaces arginine, which is basic and polar, with lysine, which is basic and polar, at codon 89 of the NR5A1 protein (p.Arg89Lys). This variant is not present in population databases (gnomAD no frequency). This variant has not been reported in the literature in individuals affected with NR5A1-related conditions. Invitae Evidence Modeling of protein sequence and biophysical properties (such as structural, functional, and spatial information, amino acid conservation, physicochemical variation, residue mobility, and thermodynamic stability) indicates that this missense variant is expected to disrupt NR5A1 protein function with a positive predictive value of 95%. In summary, the available evidence is currently insufficient to determine the role of this variant in disease. Therefore, it has been classified as a Variant of Uncertain Significance.